The following is an entry in ClinVar:

NM_005188.4(CBL):c.1220C>T (p.Ser407Phe)

Gene: CBL (Cbl proto-oncogene; plus strand). Cytogenetic location: 11q23.3.
Variant type: single nucleotide variant.
Coding change: c.1220C>T on transcript NM_005188.4 (MANE Select); coding-DNA position 1220, C replaced by T.
Protein change: p.Ser407Phe; replaces serine 407 with phenylalanine.
Molecular consequence: missense variant.
Genome position (GRCh38, 1-based): chr11:119,278,290, C>T. VCF-style: chr11-119278290-C-T. GRCh37 (hg19) VCF-style: chr11-119149000-C-T.
Other names: short protein forms S407F.
Identifiers: ClinVar variation 2663380 (VCV002663380.4), dbSNP rs2135303902, ClinGen allele CA382912897.

ClinVar aggregate classification (germline): Uncertain significance. Review status: criteria provided, multiple submitters, no conflicts (2 of 4 stars). 2 submissions from 2 submitters: Uncertain significance (2). Last evaluated 2023-11-05.

Conditions:
RASopathy. Also called: rasopathies; Noonan spectrum disorder. Identifiers: Orphanet 536391, MedGen C5555857, MONDO:0021060.

Allele frequency attached by ClinVar (database versions not stated): gnomAD exomes below 0.00001.
gnomAD v4.1: 5 of 1,614,020 alleles (0.00031%); highest among the groups gnomAD compares: East Asian, 0.0022%; no homozygotes.

Submissions (2):

Labcorp Genetics (formerly Invitae), Labcorp
Classification: Uncertain significance for RASopathy. Last evaluated: 2023-11-05. Review status: criteria provided, single submitter. Criteria: Invitae Variant Classification Sherloc (09022015). Collection method: clinical testing. Allele origin: germline.
Comment: This sequence change replaces serine, which is neutral and polar, with phenylalanine, which is neutral and non-polar, at codon 407 of the CBL protein (p.Ser407Phe). This variant is not present in population databases (gnomAD no frequency). This variant has not been reported in the literature in individuals affected with CBL-related conditions. Advanced modeling of protein sequence and biophysical properties (such as structural, functional, and spatial information, amino acid conservation, physicochemical variation, residue mobility, and thermodynamic stability) has been performed at Invitae for this missense variant, however the output from this modeling did not meet the statistical confidence thresholds required to predict the impact of this variant on CBL protein function. In summary, the available evidence is currently insufficient to determine the role of this variant in disease. Therefore, it has been classified as a Variant of Uncertain Significance.

GeneDx
Classification: Uncertain significance. Last evaluated: 2023-04-24. Review status: criteria provided, single submitter. Criteria: GeneDx Variant Classification Process June 2021. Collection method: clinical testing. Allele origin: germline. Affected: yes.
Comment: Not observed at significant frequency in large population cohorts (gnomAD); In silico analysis supports that this missense variant has a deleterious effect on protein structure/function; Has not been previously published as pathogenic or benign to our knowledge; This variant is associated with the following publications: (PMID: 20619386, 22315494)